The following is an entry in ClinVar:

ClinVar aggregate classification (germline): Uncertain significance (1 of 4 stars; one submission).

Conditions:
POLR1C-related disorder. Also called: POLR1C-related condition; POLR1C-related disorders. Identifiers: MedGen CN239394, MONDO:0700278.

gnomAD v4.1: 21 of 1,369,362 alleles (0.0015%); highest among the groups gnomAD compares: South Asian, 0.0057%; no homozygotes.

Submission:

PreventionGenetics, part of Exact Sciences
Classification: Uncertain significance for POLR1C-related condition. Last evaluated: 2026-03-03. Review status: criteria provided, single submitter. Criteria: ACMG Guidelines, 2015. Collection method: clinical testing. Allele origin: germline.
Comment: The POLR1C c.934T>G variant is predicted to result in the amino acid substitution p.Leu312Val. To our knowledge, this variant has not been reported in the literature. This variant is reported in 0.0098% of alleles in individuals of South Asian descent in gnomAD. At this time, the clinical significance of this variant is uncertain due to the absence of conclusive functional and genetic evidence.

NM_001318876.2(POLR1C):c.934T>G (p.Leu312Val)

Genes: POLR1C (RNA polymerase I and III subunit C; plus strand), XPO5 (exportin 5; minus strand). Cytogenetic location: 6p21.1.
Variant type: single nucleotide variant.
Coding change: c.934T>G on transcript NM_001318876.2; coding-DNA position 934, T replaced by G.
Protein change: p.Leu312Val; replaces leucine 312 with valine.
Molecular consequence: missense variant. On other transcripts: intron variant (2).
Genome position (GRCh38, 1-based): chr6:43,529,260, T>G. VCF-style: chr6-43529260-T-G. GRCh37 (hg19) VCF-style: chr6-43496998-T-G.
Other names: c.922+8212T>G (NM_001363658.2); c.2678-335A>C (NM_020750.3); short protein forms L312V.
Identifiers: ClinVar variation 4982367 (VCV004982367.1).